The following is an entry in ClinVar:

ClinVar aggregate classification (germline): Uncertain significance (1 of 4 stars; one submission).

Conditions:
Tuberous sclerosis 2 (TSC2). Identifiers: Orphanet 805, MedGen C1860707, MONDO:0013199, OMIM 613254.

Submission:

Labcorp Genetics (formerly Invitae), Labcorp
Classification: Uncertain significance for Tuberous sclerosis 2. Last evaluated: 2023-09-29. Review status: criteria provided, single submitter. Criteria: Invitae Variant Classification Sherloc (09022015). Collection method: clinical testing. Allele origin: germline.
Comment: In summary, the available evidence is currently insufficient to determine the role of this variant in disease. Therefore, it has been classified as a Variant of Uncertain Significance. Algorithms developed to predict the effect of sequence changes on RNA splicing suggest that this variant may create or strengthen a splice site. This variant has not been reported in the literature in individuals affected with TSC2-related conditions. This variant is not present in population databases (gnomAD no frequency). This sequence change falls in intron 2 of the TSC2 gene. It does not directly change the encoded amino acid sequence of the TSC2 protein.

NM_000548.5(TSC2):c.138+10C>T

Gene: TSC2 (TSC complex subunit 2; plus strand). Cytogenetic location: 16p13.3.
Variant type: single nucleotide variant.
Coding change: c.138+10C>T on transcript NM_000548.5 (MANE Select); 10 bases into the intron after coding-DNA position 138, C replaced by T.
Molecular consequence: intron variant.
Genome position (GRCh38, 1-based): chr16:2,048,763, C>T. VCF-style: chr16-2048763-C-T. GRCh37 (hg19) VCF-style: chr16-2098764-C-T.
Other names: c.-1600+10C>T (NM_001406693.1); c.138+10C>T (NM_001406667.1, NM_001406668.1, NM_001114382.3 and 13 more transcripts); c.-679+10C>T (NM_001406680.1, NM_001406683.1, NM_001406687.1); c.-1294+10C>T (NM_001406689.1, NM_001406690.1, NM_001406692.1 and 2 more transcripts); c.-1470+10C>T (NM_001406698.1); c.-1175+10C>T (NM_001406694.1, NM_001406695.1); c.-1282+10C>T (NM_001406696.1); c.-308+10C>T (NM_001406681.1); and 4 more.
Identifiers: ClinVar variation 2803535 (VCV002803535.1), dbSNP rs748932830, ClinGen allele CA2575876928.
Genomic context (GRCh38, chr16:2,048,763, plus strand): 5'-TCTGCAGAGGGTAAACAGACGGAGTTTATCATCACCGCGGAAATACTGAGAGTGAGTGAG[C>T]TACCTGTGTCTTTGCTAGGCTAGAGGGAAATGCAGAGAAGGCTGGGTTTGGTCTTGCACC-3'